The following is an entry in ClinVar:

ClinVar aggregate classification (germline): Likely benign. Review status: reviewed by expert panel (3 of 4 stars). 7 submissions from 7 submitters: Likely benign (1). 6 of the submissions do not count toward it. Last evaluated 2017-06-29.

Conditions:
Hereditary breast ovarian cancer syndrome. Also called: Hereditary breast and ovarian cancer; Hereditary breast and ovarian cancer syndrome (HBOC); Hereditary breast and/or ovarian cancer syndrome; Breast and ovarian cancer; Hereditary breast and ovarian cancer syndrome; BRCA1- and BRCA2-Associated Hereditary Breast and Ovarian Cancer. Identifiers: Orphanet 145, MedGen C0677776, MeSH D061325, MONDO:0003582. Disease mechanism: loss of function.
Hereditary cancer-predisposing syndrome. Also called: Tumor predisposition; Neoplastic Syndromes, Hereditary; Hereditary Cancer Syndrome; Hereditary neoplastic syndrome. Identifiers: Orphanet 140162, MedGen C0027672, MeSH D009386, MONDO:0015356.
Breast-ovarian cancer, familial, susceptibility to, 2 (BROVCA2). Also called: BRCA2 Hereditary Breast and Ovarian Cancer. Identifiers: Orphanet 145, MedGen C2675520, MONDO:0012933, OMIM 612555. Disease mechanism: loss of function.

Allele frequency attached by ClinVar (database versions not stated): gnomAD exomes below 0.00001; ExAC 0.00001; TOPMed 0.00002; gnomAD 0.00003 and 0.00004.
gnomAD v4.1: 5 of 1,614,002 alleles (0.00031%); highest among the groups gnomAD compares: African/African-American, 0.0067%; no homozygotes.

Submissions (7):

Evidence-based Network for the Interpretation of Germline Mutant Alleles (ENIGMA)
Classification: Likely benign for Breast-ovarian cancer, familial, susceptibility to, 2. Last evaluated: 2017-06-29. Review status: reviewed by expert panel. Criteria: ENIGMA BRCA1/2 Classification Criteria (2017-06-29). Collection method: curation. Allele origin: germline.
Comment: Synonymous substitution variant, with low bioinformatic likelihood to result in a splicing aberration (Splicing prior probability 0.02).

Labcorp Genetics (formerly Invitae), Labcorp
Classification: Likely benign for Hereditary breast ovarian cancer syndrome. Last evaluated: 2026-01-28. Review status: criteria provided, single submitter. Criteria: Invitae Variant Classification Sherloc (09022015). Collection method: clinical testing. Allele origin: germline. Not counted in ClinVar's aggregate classification.

Women's Health and Genetics/Laboratory Corporation of America, LabCorp
Classification: Likely benign. Last evaluated: 2025-01-09. Review status: criteria provided, single submitter. Criteria: LabCorp Variant Classification Summary - May 2015. Collection method: clinical testing. Allele origin: germline. Not counted in ClinVar's aggregate classification.

All of Us Research Program, National Institutes of Health
Classification: Likely benign for Breast-ovarian cancer, familial, susceptibility to, 2. Last evaluated: 2023-06-26. Review status: criteria provided, single submitter. Criteria: ACMG Guidelines, 2015. Collection method: clinical testing. Allele origin: germline. Inheritance: Autosomal dominant inheritance. Observed: 2 variant alleles, 2 heterozygotes. Not counted in ClinVar's aggregate classification.
Comment: This study involves interpretation of variants in research participants for the purpose of population health screening. Participant phenotype was not available at the time of variant classification. Additional details can be found in publication PMID: 35346344, PMCID: PMC8962531

Quest Diagnostics Nichols Institute San Juan Capistrano
Classification: Likely benign. Last evaluated: 2022-09-23. Review status: criteria provided, single submitter. Criteria: Quest Diagnostics criteria. Collection method: clinical testing. Allele origin: unknown. Not counted in ClinVar's aggregate classification.

Ambry Genetics
Classification: Likely benign for Hereditary cancer-predisposing syndrome. Last evaluated: 2016-01-18. Review status: criteria provided, single submitter. Criteria: Ambry Variant Classification Scheme 2023. Collection method: clinical testing. Allele origin: germline. Not counted in ClinVar's aggregate classification.

Color Diagnostics, LLC DBA Color Health
Classification: Likely benign for Hereditary cancer-predisposing syndrome. Last evaluated: 2015-12-08. Review status: criteria provided, single submitter. Criteria: ACMG Guidelines, 2015. Collection method: clinical testing. Allele origin: germline. Not counted in ClinVar's aggregate classification.

Literature cited by the submitters: PubMed 32486089 (cited by Quest Diagnostics Nichols Institute San Juan Capistrano).

NM_000059.4(BRCA2):c.2253T>G (p.Thr751=)

Gene: BRCA2 (BRCA2 DNA repair associated; plus strand). Cytogenetic location: 13q13.1.
Variant type: single nucleotide variant.
Coding change: c.2253T>G on transcript NM_000059.4 (MANE Select); coding-DNA position 2253, T replaced by G.
Protein change: p.Thr751=; no amino-acid change (threonine 751 retained).
Molecular consequence: synonymous variant.
Genome position (GRCh38, 1-based): chr13:32,336,608, T>G. VCF-style: chr13-32336608-T-G. GRCh37 (hg19) VCF-style: chr13-32910745-T-G.
Identifiers: ClinVar variation 415676 (VCV000415676.29), dbSNP rs760593257, ClinGen allele CA6940588.